The following is an entry in ClinVar:

NM_138694.4(PKHD1):c.8492G>A (p.Arg2831Lys)

Gene: PKHD1 (PKHD1 ciliary IPT domain containing fibrocystin/polyductin; minus strand). Cytogenetic location: 6p12.3.
Variant type: single nucleotide variant.
Coding change: c.8492G>A on transcript NM_138694.4 (MANE Select); coding-DNA position 8492, G replaced by A.
Protein change: p.Arg2831Lys; replaces arginine 2831 with lysine.
Molecular consequence: missense variant.
Genome position (GRCh38, 1-based): chr6:51,775,870, C>T on the plus strand (G>A on the coding strand, the complement: PKHD1 is on the minus strand). VCF-style: chr6-51775870-C-T. GRCh37 (hg19) VCF-style: chr6-51640668-C-T.
Other names: c.8492G>A, p.Arg2831Lys (NM_170724.3); short protein forms R2831K.
Identifiers: ClinVar variation 2636496 (VCV002636496.4), dbSNP rs561192113, ClinGen allele CA138908791.

ClinVar aggregate classification (germline): Conflicting classifications of pathogenicity. Review status: criteria provided, conflicting classifications (1 of 4 stars). 2 submissions from 2 submitters: Likely pathogenic (1); Uncertain significance (1). Last evaluated 2026-06-16.

Conditions:
PKHD1-related disorder. Also called: PKHD1-related condition.

gnomAD v4.1: 45 of 1,602,210 alleles (0.0028%); highest among the groups gnomAD compares: Non-Finnish European, 0.0038%; no homozygotes.

Submissions (2):

PreventionGenetics, part of Exact Sciences
Classification: Likely pathogenic for PKHD1-related condition. Last evaluated: 2026-06-16. Review status: criteria provided, single submitter. Criteria: ACMG Guidelines, 2015. Collection method: clinical testing. Allele origin: germline.
Comment: The PKHD1 c.8492G>A variant is predicted to result in the amino acid substitution p.Arg2831Lys. This variant has been reported, including in the compound heterozygous state, in individuals with polycystic kidney disease (Bergmann et al. 2005. PubMed ID: 15698423; Topak et al. 2023. PubMed ID: 37078890; Beltcheva et al. 2024. PubMed ID: 38547852; Lapunzina-Soler et al. 2026. PubMed ID: 41751613). This variant is reported in 0.0018% of alleles in individuals of European (Non-Finnish) descent in gnomAD. This variant is interpreted as likely pathogenic.

Blueprint Genetics
Classification: Uncertain significance. Last evaluated: 2024-06-04. Review status: criteria provided, single submitter. Criteria: ACMG Guidelines, 2015. Collection method: clinical testing. Allele origin: germline.